The following is an entry in ClinVar:

NM_177438.3(DICER1):c.533A>T (p.His178Leu)

Gene: DICER1 (dicer 1, ribonuclease III; minus strand). Cytogenetic location: 14q32.13.
Variant type: single nucleotide variant.
Coding change: c.533A>T on transcript NM_177438.3 (MANE Select); coding-DNA position 533, A replaced by T.
Protein change: p.His178Leu; replaces histidine 178 with leucine.
Molecular consequence: missense variant.
Genome position (GRCh38, 1-based): chr14:95,130,098, T>A on the plus strand (A>T on the coding strand, the complement: DICER1 is on the minus strand). VCF-style: chr14-95130098-T-A. GRCh37 (hg19) VCF-style: chr14-95596435-T-A.
Other names: c.533A>T, p.His178Leu (NM_001195573.1, NM_001271282.3, NM_001291628.2 and 1 more transcripts); short protein forms H178L.
Identifiers: ClinVar variation 825660 (VCV000825660.18), dbSNP rs201239474, ClinGen allele CA7331645.

ClinVar aggregate classification (germline): Uncertain significance. Review status: criteria provided, multiple submitters, no conflicts (2 of 4 stars). 2 submissions from 2 submitters: Uncertain significance (2). Last evaluated 2025-04-30.

Conditions:
DICER1-related tumor predisposition. Also called: DICER1-related pleuropulmonary blastoma cancer predisposition syndrome; DICER1 syndrome. Identifiers: Orphanet 284343, MedGen C3839822, MONDO:0100216.
Hereditary cancer-predisposing syndrome. Also called: Neoplastic Syndromes, Hereditary; Hereditary Cancer Syndrome; Hereditary neoplastic syndrome; Tumor predisposition. Identifiers: Orphanet 140162, MedGen C0027672, MeSH D009386, MONDO:0015356.

Allele frequency attached by ClinVar (database versions not stated): gnomAD exomes below 0.00001; ExAC 0.00001; gnomAD 0.00001; TOPMed 0.00001; 1000 Genomes Project 30x 0.00016; 1000 Genomes Project 0.00020.
gnomAD v4.1: 5 of 1,613,574 alleles (0.00031%); highest among the groups gnomAD compares: Non-Finnish European, 0.00042%; no homozygotes.

Submissions (2):

Ambry Genetics
Classification: Uncertain significance for Hereditary cancer-predisposing syndrome. Last evaluated: 2025-04-30. Review status: criteria provided, single submitter. Criteria: Ambry Variant Classification Scheme 2023. Collection method: clinical testing. Allele origin: germline.
Comment: The p.H178L variant (also known as c.533A>T), located in coding exon 4 of the DICER1 gene, results from an A to T substitution at nucleotide position 533. The histidine at codon 178 is replaced by leucine, an amino acid with similar properties. This amino acid position is highly conserved in available vertebrate species. In addition, this alteration is predicted to be deleterious by in silico analysis. Based on the available evidence, the clinical significance of this variant remains unclear.

Labcorp Genetics (formerly Invitae), Labcorp
Classification: Uncertain significance for DICER1-related tumor predisposition. Last evaluated: 2023-08-28. Review status: criteria provided, single submitter. Criteria: Invitae Variant Classification Sherloc (09022015). Collection method: clinical testing. Allele origin: germline.
Comment: This variant has not been reported in the literature in individuals affected with DICER1-related conditions. ClinVar contains an entry for this variant (Variation ID: 825660). Advanced modeling of protein sequence and biophysical properties (such as structural, functional, and spatial information, amino acid conservation, physicochemical variation, residue mobility, and thermodynamic stability) performed at Invitae indicates that this missense variant is expected to disrupt DICER1 protein function. In summary, the available evidence is currently insufficient to determine the role of this variant in disease. Therefore, it has been classified as a Variant of Uncertain Significance. This variant is present in population databases (rs201239474, gnomAD 0.0009%). This sequence change replaces histidine, which is basic and polar, with leucine, which is neutral and non-polar, at codon 178 of the DICER1 protein (p.His178Leu).